The following is an entry in ClinVar:

NM_003072.5(SMARCA4):c.2036C>T (p.Pro679Leu)

Gene: SMARCA4 (SWI/SNF related BAF chromatin remodeling complex subunit ATPase 4; plus strand). Cytogenetic location: 19p13.2.
Variant type: single nucleotide variant.
Coding change: c.2036C>T on transcript NM_003072.5 (MANE Select); coding-DNA position 2036, C replaced by T.
Protein change: p.Pro679Leu; replaces proline 679 with leucine.
Molecular consequence: missense variant. On other transcripts: non-coding transcript variant (1).
Genome position (GRCh38, 1-based): chr19:11,007,936, C>T. VCF-style: chr19-11007936-C-T. GRCh37 (hg19) VCF-style: chr19-11118612-C-T.
Other names: c.2036C>T, p.Pro679Leu (NM_001128844.3, NM_001128845.2, NM_001128846.2 and 5 more transcripts); short protein forms P679L.
Identifiers: ClinVar variation 1489428 (VCV001489428.8), dbSNP rs1555771583, ClinGen allele CA404052441.

ClinVar aggregate classification (germline): Uncertain significance (1 of 4 stars; one submission).

Conditions:
Rhabdoid tumor predisposition syndrome 2 (RTPS2). Identifiers: Orphanet 231108, Orphanet 69077, MedGen C2750074, MONDO:0013224, OMIM 613325.

Allele frequency attached by ClinVar (database versions not stated): TOPMed below 0.00001.

Submission:

Labcorp Genetics (formerly Invitae), Labcorp
Classification: Uncertain significance for Rhabdoid tumor predisposition syndrome 2. Last evaluated: 2024-01-18. Review status: criteria provided, single submitter. Criteria: Invitae Variant Classification Sherloc (09022015). Collection method: clinical testing. Allele origin: germline.
Comment: This sequence change replaces proline, which is neutral and non-polar, with leucine, which is neutral and non-polar, at codon 679 of the SMARCA4 protein (p.Pro679Leu). This variant is not present in population databases (gnomAD no frequency). This variant has not been reported in the literature in individuals affected with SMARCA4-related conditions. ClinVar contains an entry for this variant (Variation ID: 1489428). Advanced modeling of protein sequence and biophysical properties (such as structural, functional, and spatial information, amino acid conservation, physicochemical variation, residue mobility, and thermodynamic stability) performed at Invitae indicates that this missense variant is not expected to disrupt SMARCA4 protein function with a negative predictive value of 95%. In summary, the available evidence is currently insufficient to determine the role of this variant in disease. Therefore, it has been classified as a Variant of Uncertain Significance.